The following is an entry in ClinVar:

ClinVar aggregate classification (germline): Uncertain significance (1 of 4 stars; one submission).

gnomAD v4.1: 9 of 1,613,916 alleles (0.00056%); highest among the groups gnomAD compares: Non-Finnish European, 0.00076%; no homozygotes.

Submission:

Labcorp Genetics (formerly Invitae), Labcorp
Classification: Uncertain significance. Last evaluated: 2024-12-03. Review status: criteria provided, single submitter. Criteria: Invitae Variant Classification Sherloc (09022015). Collection method: clinical testing. Allele origin: germline.
Comment: This sequence change replaces proline, which is neutral and non-polar, with serine, which is neutral and polar, at codon 1052 of the SORL1 protein (p.Pro1052Ser). This variant is not present in population databases (gnomAD no frequency). This variant has not been reported in the literature in individuals affected with SORL1-related conditions. An algorithm developed to predict the effect of missense changes on protein structure and function outputs the following: PolyPhen-2: "Benign". The serine amino acid residue is found in multiple mammalian species, which suggests that this missense change does not adversely affect protein function. In summary, the available evidence is currently insufficient to determine the role of this variant in disease. Therefore, it has been classified as a Variant of Uncertain Significance.

NM_003105.6(SORL1):c.3154C>T (p.Pro1052Ser)

Gene: SORL1 (sortilin related receptor 1; plus strand). Cytogenetic location: 11q24.1.
Variant type: single nucleotide variant.
Coding change: c.3154C>T on transcript NM_003105.6 (MANE Select); coding-DNA position 3154, C replaced by T.
Protein change: p.Pro1052Ser; replaces proline 1052 with serine.
Molecular consequence: missense variant.
Genome position (GRCh38, 1-based): chr11:121,567,044, C>T. VCF-style: chr11-121567044-C-T. GRCh37 (hg19) VCF-style: chr11-121437753-C-T.
Other names: short protein forms P1052S.
Identifiers: ClinVar variation 3691800 (VCV003691800.2).
Genomic context (GRCh38, chr11:121,567,044, plus strand): 5'-CCCAAGGCCAACAACAGTAGAAGCTGCAGGTGTCCAGAGGATGTGTCCAGCAGTGTGCTT[C>T]CATCAGGGGACCTGATGTGTGACTGCCCTCAGGGCTATCAGCTCAAGAACAATACCTGTG-3'
Protein context (NP_003096.2, residues 1042-1062): CPEDVSSSVL[Pro1052Ser]SGDLMCDCPQ